The following is an entry in ClinVar:

ClinVar aggregate classification (germline): Uncertain significance (1 of 4 stars; one submission).

Conditions:
RELN-related disorder. Also called: RELN-related condition.

Allele frequency attached by ClinVar (database versions not stated): gnomAD exomes below 0.00001.

Submission:

PreventionGenetics, part of Exact Sciences
Classification: Uncertain significance for RELN-related condition. Last evaluated: 2023-07-13. Review status: criteria provided, single submitter. Criteria: ACMG Guidelines, 2015. Collection method: clinical testing. Allele origin: germline.
Comment: The RELN c.5986A>G variant is predicted to result in the amino acid substitution p.Met1996Val. To our knowledge, this variant has not been reported in the literature or in a large population database, indicating this variant is rare. At this time, the clinical significance of this variant is uncertain due to the absence of conclusive functional and genetic evidence.

NM_005045.4(RELN):c.5986A>G (p.Met1996Val)

Gene: RELN (reelin; minus strand). Cytogenetic location: 7q22.1.
Variant type: single nucleotide variant.
Coding change: c.5986A>G on transcript NM_005045.4 (MANE Select); coding-DNA position 5986, A replaced by G.
Protein change: p.Met1996Val; replaces methionine 1996 with valine.
Molecular consequence: missense variant.
Genome position (GRCh38, 1-based): chr7:103,553,547, T>C on the plus strand (A>G on the coding strand, the complement: RELN is on the minus strand). VCF-style: chr7-103553547-T-C. GRCh37 (hg19) VCF-style: chr7-103193994-T-C.
Other names: c.5986A>G, p.Met1996Val (NM_173054.3); short protein forms M1996V.
Identifiers: ClinVar variation 2628535 (VCV002628535.1), dbSNP rs2484721395, ClinGen allele CA368739533.
Genomic context (GRCh38, chr7:103,553,547, plus strand): 5'-TCACATTTAGGTCACGGGTGGTAATGGAATGCTCACCAACTTCATTTGAAACAAACACCA[T>C]AGCTGAATCTTCTTCACTGTTACACAGGAAAACAACCAGGAATCCATTTAGGCAAAAGTT-3'
Protein context (NP_005036.2, residues 1986-2006): SKGAPEEDSA[Met1996Val]VFVSNEVGEH